The following is an entry in ClinVar:

NM_000548.5(TSC2):c.2716A>G (p.Lys906Glu)

Gene: TSC2 (TSC complex subunit 2; plus strand). Cytogenetic location: 16p13.3.
Variant type: single nucleotide variant.
Coding change: c.2716A>G on transcript NM_000548.5 (MANE Select); coding-DNA position 2716, A replaced by G.
Protein change: p.Lys906Glu; replaces lysine 906 with glutamic acid.
Molecular consequence: missense variant.
Genome position (GRCh38, 1-based): chr16:2,076,144, A>G. VCF-style: chr16-2076144-A-G. GRCh37 (hg19) VCF-style: chr16-2126145-A-G.
Other names: c.2716A>G, p.Lys906Glu (NM_001077183.3, NM_001114382.3, NM_001363528.2 and 6 more transcripts); c.2605A>G, p.Lys869Glu (NM_001318827.2, NM_001406670.1, NM_001406678.1); c.2569A>G, p.Lys857Glu (NM_001318829.2, NM_001406675.1, NM_001406676.1 and 1 more transcripts); c.2116A>G, p.Lys706Glu (NM_001318831.2, NM_001406680.1, NM_001406682.1 and 6 more transcripts); c.2749A>G, p.Lys917Glu (NM_001318832.2); c.2806A>G, p.Lys936Glu (NM_001406667.1, NM_001406668.1); c.2704A>G, p.Lys902Glu (NM_001406671.1, NM_001406673.1); c.2659A>G, p.Lys887Glu (NM_001406677.1); and 3 more; short protein forms K372E, K752E, K902E, K936E, K458E, K706E, K869E, K887E.
Identifiers: ClinVar variation 2092647 (VCV002092647.6), dbSNP rs397515243, ClinGen allele CA394279500.
Genomic context (GRCh38, chr16:2,076,144, plus strand): 5'-GTGTGTCTGGCCCATCACGTCATAGCCATGTGGTTCATCAGGTGCCGCCTGCCCTTCCGG[A>G]AGGATTTTGTCCCTTTCATCACTAAGGTGGGCTCAGGGCCGGTGAAGGCTGTGTCTCTCG-3'
Protein context (NP_000539.2, residues 896-916): WFIRCRLPFR[Lys906Glu]DFVPFITKGL

ClinVar aggregate classification (germline): Uncertain significance. Review status: criteria provided, multiple submitters, no conflicts (2 of 4 stars). 3 submissions from 3 submitters: Uncertain significance (3). Last evaluated 2025-12-10.

Conditions:
Tuberous sclerosis syndrome (TSC). Also called: Tuberous sclerosis; Tuberous Sclerosis Complex. Identifiers: Orphanet 805, MedGen C0041341, MONDO:0001734.
Tuberous sclerosis 2 (TSC2). Identifiers: Orphanet 805, MedGen C1860707, MONDO:0013199, OMIM 613254.
Hereditary cancer-predisposing syndrome. Also called: Tumor predisposition; Neoplastic Syndromes, Hereditary; Hereditary neoplastic syndrome; Hereditary Cancer Syndrome. Identifiers: Orphanet 140162, MedGen C0027672, MeSH D009386, MONDO:0015356.

gnomAD v4.1: 1 of 1,613,422 alleles (0.000062%); no homozygotes.

Submissions (3):

Ambry Genetics
Classification: Uncertain significance for Hereditary cancer-predisposing syndrome. Last evaluated: 2025-12-10. Review status: criteria provided, single submitter. Criteria: Ambry Variant Classification Scheme 2023. Collection method: clinical testing. Allele origin: germline.
Comment: The p.K906E variant (also known as c.2716A>G), located in coding exon 23 of the TSC2 gene, results from an A to G substitution at nucleotide position 2716. The lysine at codon 906 is replaced by glutamic acid, an amino acid with similar properties. This amino acid position is conserved. In addition, this alteration is predicted to be deleterious by in silico analysis. Based on the available evidence, the clinical significance of this variant remains unclear.

Color Diagnostics, LLC DBA Color Health
Classification: Uncertain significance for Tuberous sclerosis syndrome. Last evaluated: 2025-05-12. Review status: criteria provided, single submitter. Criteria: ACMG Guidelines, 2015. Collection method: clinical testing. Allele origin: germline.
Comment: This missense variant replaces lysine with glutamic acid at codon 906 of the TSC2 protein. Computational prediction suggests that this variant may have deleterious impact on protein structure and function. To our knowledge, functional studies have not been reported for this variant. This variant has not been reported in individuals affected with TSC2-related disorders in the literature. This variant has not been identified in the general population by the Genome Aggregation Database (gnomAD). The available evidence is insufficient to determine the role of this variant in disease conclusively. Therefore, this variant is classified as a Variant of Uncertain Significance.

Labcorp Genetics (formerly Invitae), Labcorp
Classification: Uncertain significance for Tuberous sclerosis 2. Last evaluated: 2022-02-03. Review status: criteria provided, single submitter. Criteria: Invitae Variant Classification Sherloc (09022015). Collection method: clinical testing. Allele origin: germline.
Comment: This variant has not been reported in the literature in individuals affected with TSC2-related conditions. In summary, the available evidence is currently insufficient to determine the role of this variant in disease. Therefore, it has been classified as a Variant of Uncertain Significance. Advanced modeling of protein sequence and biophysical properties (such as structural, functional, and spatial information, amino acid conservation, physicochemical variation, residue mobility, and thermodynamic stability) performed at Invitae indicates that this missense variant is not expected to disrupt TSC2 protein function. This variant is not present in population databases (gnomAD no frequency). This sequence change replaces lysine, which is basic and polar, with glutamic acid, which is acidic and polar, at codon 906 of the TSC2 protein (p.Lys906Glu).